The following is an entry in ClinVar:

ClinVar aggregate classification (germline): Uncertain significance (1 of 4 stars; one submission).

Conditions:
Oxoglutaricaciduria. Identifiers: Orphanet 31, MedGen C2752074, MONDO:0008759, OMIM 203740.

Allele frequency attached by ClinVar (database versions not stated): TOPMed below 0.00001; gnomAD 0.00001.
gnomAD v4.1: 3 of 1,613,974 alleles (0.00019%); highest among the groups gnomAD compares: African/African-American, 0.0013%; no homozygotes.

Submission:

Labcorp Genetics (formerly Invitae), Labcorp
Classification: Uncertain significance for Oxoglutaricaciduria. Last evaluated: 2021-12-28. Review status: criteria provided, single submitter. Criteria: Invitae Variant Classification Sherloc (09022015). Collection method: clinical testing. Allele origin: germline.
Comment: This sequence change replaces asparagine, which is neutral and polar, with aspartic acid, which is acidic and polar, at codon 320 of the OGDH protein (p.Asn320Asp). This variant is present in population databases (no rsID available, gnomAD 0.007%). This variant has not been reported in the literature in individuals affected with OGDH-related conditions. Algorithms developed to predict the effect of missense changes on protein structure and function are either unavailable or do not agree on the potential impact of this missense change (SIFT: "Deleterious"; PolyPhen-2: "Probably Damaging"; Align-GVGD: "Class C15"). Algorithms developed to predict the effect of sequence changes on RNA splicing suggest that this variant may create or strengthen a splice site. In summary, the available evidence is currently insufficient to determine the role of this variant in disease. Therefore, it has been classified as a Variant of Uncertain Significance.

NM_002541.4(OGDH):c.958A>G (p.Asn320Asp)

Gene: OGDH (oxoglutarate dehydrogenase; plus strand). Cytogenetic location: 7p13.
Variant type: single nucleotide variant.
Coding change: c.958A>G on transcript NM_002541.4 (MANE Select); coding-DNA position 958, A replaced by G.
Protein change: p.Asn320Asp; replaces asparagine 320 with aspartic acid.
Molecular consequence: missense variant.
Genome position (GRCh38, 1-based): chr7:44,675,200, A>G. VCF-style: chr7-44675200-A-G. GRCh37 (hg19) VCF-style: chr7-44714799-A-G.
Other names: c.958A>G, p.Asn320Asp (NM_001003941.3); c.946A>G, p.Asn316Asp (NM_001165036.2); c.991A>G, p.Asn331Asp (NM_001363523.2); short protein forms N320D, N331D, N316D.
Identifiers: ClinVar variation 1912674 (VCV001912674.5), dbSNP rs1243853249, ClinGen allele CA367410757.